The following is an entry in ClinVar:

ClinVar aggregate classification (germline): Pathogenic (1 of 4 stars; one submission).

Conditions:
Familial cancer of breast. Also called: BREAST CANCER, FAMILIAL; Hereditary breast cancer; hereditary breast carcinoma. Identifiers: Orphanet 227535, MedGen C0346153, MONDO:0016419, OMIM 114480. Disease mechanism: loss of function.

Submission:

Labcorp Genetics (formerly Invitae), Labcorp
Classification: Pathogenic for Hereditary Breast Carcinoma. Last evaluated: 2019-11-05. Review status: criteria provided, single submitter. Criteria: Invitae Variant Classification Sherloc (09022015). Collection method: clinical testing. Allele origin: germline.
Comment: This variant is a gross deletion of the genomic region encompassing exons 3-15 of the CHEK2 gene. The 5' boundary is likely confined to intron 2. The 3' end of this event is unknown as it extends through the termination codon beyond the assayed region for this gene and may encompass additional genes. While this deletion is not anticipated to result in nonsense mediated decay, it is expected to create a truncated CHEK2 protein. This deletion involves most of the CHEK2 protein, including the kinase domain and is expected to result in a non-functional protein (PMID: 18004398). Furthermore, smaller subgenic in-frame deletions have been reported in individuals affected with hereditary cancer (PMID: 24763289). For these reasons, this variant has been classified as Pathogenic.

Literature cited by the submitters: PubMed 24763289; PubMed 18004398.

NC_000022.11:g.(?_28687887)_(28725377_?)del

Gene: CHEK2 (checkpoint kinase 2; minus strand). Cytogenetic location: 22q12.1.
Variant type: Deletion.
Identifiers: ClinVar variation 832648 (VCV000832648.2).